The following is an entry in ClinVar:

NM_032043.3(BRIP1):c.2731G>A (p.Val911Met)

Gene: BRIP1 (BRCA1 interacting DNA helicase 1; minus strand). Cytogenetic location: 17q23.2.
Variant type: single nucleotide variant.
Coding change: c.2731G>A on transcript NM_032043.3 (MANE Select); coding-DNA position 2731, G replaced by A.
Protein change: p.Val911Met; replaces valine 911 with methionine.
Molecular consequence: missense variant.
Genome position (GRCh38, 1-based): chr17:61,686,010, C>T on the plus strand (G>A on the coding strand, the complement: BRIP1 is on the minus strand). VCF-style: chr17-61686010-C-T. GRCh37 (hg19) VCF-style: chr17-59763371-C-T.
Other names: short protein forms V911M.
Identifiers: ClinVar variation 821728 (VCV000821728.7), dbSNP rs1555573392, ClinGen allele CA400481648.

ClinVar aggregate classification (germline): Uncertain significance. Review status: criteria provided, multiple submitters, no conflicts (2 of 4 stars). 2 submissions from 2 submitters: Uncertain significance (2). Last evaluated 2024-09-18.

Conditions:
Familial cancer of breast. Also called: Hereditary breast cancer; hereditary breast carcinoma; BREAST CANCER, FAMILIAL. Identifiers: Orphanet 227535, MedGen C0346153, MONDO:0016419, OMIM 114480. Disease mechanism: loss of function.
Fanconi anemia complementation group J. Also called: BRIP1-Related Fanconi Anemia. Identifiers: Orphanet 84, MedGen C1836860, MONDO:0012187, OMIM 609054.
Hereditary cancer-predisposing syndrome. Also called: Hereditary Cancer Syndrome; Neoplastic Syndromes, Hereditary; Hereditary neoplastic syndrome; Tumor predisposition. Identifiers: Orphanet 140162, MedGen C0027672, MeSH D009386, MONDO:0015356.

Allele frequency attached by ClinVar (database versions not stated): TOPMed below 0.00001.

Submissions (2):

Ambry Genetics
Classification: Uncertain significance for Hereditary cancer-predisposing syndrome. Last evaluated: 2024-09-18. Review status: criteria provided, single submitter. Criteria: Ambry Variant Classification Scheme 2023. Collection method: clinical testing. Allele origin: germline.
Comment: The p.V911M variant (also known as c.2731G>A), located in coding exon 18 of the BRIP1 gene, results from a G to A substitution at nucleotide position 2731. The valine at codon 911 is replaced by methionine, an amino acid with highly similar properties. This amino acid position is not well conserved in available vertebrate species. In addition, this alteration is predicted to be tolerated by in silico analysis. Since supporting evidence is limited at this time, the clinical significance of this alteration remains unclear.

Labcorp Genetics (formerly Invitae), Labcorp
Classification: Uncertain significance for Familial cancer of breast; Fanconi anemia complementation group J. Last evaluated: 2024-07-08. Review status: criteria provided, single submitter. Criteria: Invitae Variant Classification Sherloc (09022015). Collection method: clinical testing. Allele origin: germline.
Comment: This sequence change replaces valine, which is neutral and non-polar, with methionine, which is neutral and non-polar, at codon 911 of the BRIP1 protein (p.Val911Met). This variant is not present in population databases (gnomAD no frequency). This variant has not been reported in the literature in individuals affected with BRIP1-related conditions. ClinVar contains an entry for this variant (Variation ID: 821728). Advanced modeling of protein sequence and biophysical properties (such as structural, functional, and spatial information, amino acid conservation, physicochemical variation, residue mobility, and thermodynamic stability) performed at Invitae indicates that this missense variant is not expected to disrupt BRIP1 protein function with a negative predictive value of 80%. In summary, the available evidence is currently insufficient to determine the role of this variant in disease. Therefore, it has been classified as a Variant of Uncertain Significance.